The following is an entry in ClinVar:

ClinVar aggregate classification (germline): Likely pathogenic (1 of 4 stars; one submission).

Conditions:
Renal carnitine transport defect (CDSP). Also called: Primary carnitine deficiency; Systemic primary carnitine deficiency; Systemic primary carnitine deficiency disease; CARNITINE DEFICIENCY, SYSTEMIC, DUE TO DEFECT IN RENAL REABSORPTION OF CARNITINE; CARNITINE TRANSPORTER, PLASMA-MEMBRANE, DEFICIENCY OF; CARNITINE UPTAKE DEFECT. Identifiers: Orphanet 158, MedGen C0342788, MONDO:0008919, OMIM 212140.

gnomAD v4.1: 7 of 1,614,090 alleles (0.00043%); highest among the groups gnomAD compares: Non-Finnish European, 0.00059%; no homozygotes.

Submission:

Labcorp Genetics (formerly Invitae), Labcorp
Classification: Likely pathogenic for Renal carnitine transport defect. Last evaluated: 2022-11-29. Review status: criteria provided, single submitter. Criteria: Invitae Variant Classification Sherloc (09022015). Collection method: clinical testing. Allele origin: germline.
Comment: ClinVar contains an entry for this variant (Variation ID: 967907). This variant has not been reported in the literature in individuals affected with SLC22A5-related conditions. This variant is not present in population databases (gnomAD no frequency). This sequence change replaces arginine, which is basic and polar, with glycine, which is neutral and non-polar, at codon 282 of the SLC22A5 protein (p.Arg282Gly). Advanced modeling of protein sequence and biophysical properties (such as structural, functional, and spatial information, amino acid conservation, physicochemical variation, residue mobility, and thermodynamic stability) performed at Invitae indicates that this missense variant is expected to disrupt SLC22A5 protein function. In summary, the currently available evidence indicates that the variant is pathogenic, but additional data are needed to prove that conclusively. Therefore, this variant has been classified as Likely Pathogenic. This variant disrupts the p.Arg282 amino acid residue in SLC22A5. Other variant(s) that disrupt this residue have been determined to be pathogenic (PMID: 16652335, 28841266). This suggests that this residue is clinically significant, and that variants that disrupt this residue are likely to be disease-causing. Algorithms developed to predict the effect of sequence changes on RNA splicing suggest that this variant may disrupt the consensus splice site.

Literature cited by the submitters: PubMed 16652335; PubMed 28841266.

NM_003060.4(SLC22A5):c.844C>G (p.Arg282Gly)

Gene: SLC22A5 (solute carrier family 22 member 5; plus strand). Cytogenetic location: 5q31.1.
Variant type: single nucleotide variant.
Coding change: c.844C>G on transcript NM_003060.4 (MANE Select); coding-DNA position 844, C replaced by G.
Protein change: p.Arg282Gly; replaces arginine 282 with glycine.
Molecular consequence: missense variant.
Genome position (GRCh38, 1-based): chr5:132,387,044, C>G. VCF-style: chr5-132387044-C-G. GRCh37 (hg19) VCF-style: chr5-131722736-C-G.
Other names: c.916C>G, p.Arg306Gly (NM_001308122.2); short protein forms R306G, R282G.
Identifiers: ClinVar variation 967907 (VCV000967907.9), dbSNP rs121908886, ClinGen allele CA360805538.